The following is an entry in ClinVar:

ClinVar aggregate classification (germline): Conflicting classifications of pathogenicity. Review status: criteria provided, conflicting classifications (1 of 4 stars). 3 submissions from 3 submitters: Pathogenic (1); Uncertain significance (2). Last evaluated 2025-12-16.

Conditions:
Brugada syndrome 5 (BRGDA5). Identifiers: Orphanet 130, Orphanet 871, MedGen C2748541, MONDO:0013015, OMIM 612838.

Allele frequency attached by ClinVar (database versions not stated): gnomAD exomes below 0.00001.
gnomAD v4.1: 3 of 1,612,518 alleles (0.00019%); highest among the groups gnomAD compares: Non-Finnish European, 0.00025%; no homozygotes.

Submissions (3):

Labcorp Genetics (formerly Invitae), Labcorp
Classification: Uncertain significance for Brugada syndrome 5. Last evaluated: 2025-12-16. Review status: criteria provided, single submitter. Criteria: Invitae Variant Classification Sherloc (09022015). Collection method: clinical testing. Allele origin: germline.
Comment: The SCN1B gene has multiple clinically relevant transcripts. This variant occurs in alternate transcript NM_001037.5, and corresponds to NM_199037.3:c.*5161G>A in the primary transcript. This sequence change affects a donor splice site in intron 4 of the SCN1B gene. While this variant is not anticipated to result in nonsense mediated decay, it likely alters RNA splicing and results in a disrupted protein product. This variant is not present in population databases (gnomAD no frequency). This variant has not been reported in the literature in individuals affected with SCN1B-related conditions. Experimental studies and prediction algorithms are not available or were not evaluated, and the functional significance of this variant is currently unknown. Variants that disrupt the consensus splice site are a relatively common cause of aberrant splicing (PMID: 17576681, 9536098). In summary, the available evidence is currently insufficient to determine the role of this variant in disease. Therefore, it has been classified as a Variant of Uncertain Significance.

GeneDx
Classification: Pathogenic. Last evaluated: 2025-03-09. Review status: criteria provided, single submitter. Criteria: GeneDx Variant Classification Process June 2021. Collection method: clinical testing. Allele origin: germline. Affected: yes.
Comment: Canonical splice site variant predicted to result in a null allele in a gene for which loss of function is a known mechanism of disease; Not observed at significant frequency in large population cohorts (gnomAD)

Blueprint Genetics
Classification: Uncertain significance. Last evaluated: 2019-06-20. Review status: criteria provided, single submitter. Criteria: ACMG Guidelines, 2015. Collection method: clinical testing. Allele origin: germline.

Literature cited by the submitters: PubMed 17576681 (cited by Labcorp Genetics (formerly Invitae), Labcorp); PubMed 9536098 (cited by Labcorp Genetics (formerly Invitae), Labcorp).

NM_001037.5(SCN1B):c.590+1G>A

Gene: SCN1B (sodium voltage-gated channel beta subunit 1; plus strand). Cytogenetic location: 19q13.11.
Variant type: single nucleotide variant.
Coding change: c.590+1G>A on transcript NM_001037.5 (MANE Select); the canonical splice donor site of the intron after coding-DNA position 590, G replaced by A.
Molecular consequence: splice donor variant.
Genome position (GRCh38, 1-based): chr19:35,039,259, G>A. VCF-style: chr19-35039259-G-A. GRCh37 (hg19) VCF-style: chr19-35530163-G-A.
Other names: c.491+1G>A (NM_001321605.2).
Identifiers: ClinVar variation 432781 (VCV000432781.10), dbSNP rs112767703, ClinGen allele CA405330202.